The following is an entry in ClinVar:

ClinVar aggregate classification (germline): Benign. Review status: criteria provided, multiple submitters, no conflicts (2 of 4 stars). 3 submissions from 3 submitters: Benign (3). Last evaluated 2026-02-04.

Allele frequency attached by ClinVar (database versions not stated): ESP Exome Variant Server 0.00231; gnomAD 0.00272 and 0.00340; gnomAD exomes 0.00326 and 0.00566; TOPMed 0.00390; ExAC 0.00586; 1000 Genomes Project 30x 0.01234; 1000 Genomes Project 0.01378.
gnomAD v4.1: 5,361 of 1,598,798 alleles (0.34%); highest among the groups gnomAD compares: East Asian, 4.2%; 60 homozygotes.

Submissions 1 to 31 of 49:

Labcorp Genetics (formerly Invitae), Labcorp
Classification: Benign. Last evaluated: 2026-02-04. Review status: criteria provided, single submitter. Criteria: Invitae Variant Classification Sherloc (09022015). Collection method: clinical testing. Allele origin: germline.

GeneDx
Classification: Benign. Last evaluated: 2016-12-13. Review status: criteria provided, single submitter. Criteria: GeneDx Variant Classification (06012015). Collection method: clinical testing. Allele origin: germline. Affected: yes.
Comment: This variant is considered likely benign or benign based on one or more of the following criteria: it is a conservative change, it occurs at a poorly conserved position in the protein, it is predicted to be benign by multiple in silico algorithms, and/or has population frequency not consistent with disease.

Breakthrough Genomics
Classification: Benign. Review status: criteria provided, single submitter. Criteria: ACMG Guidelines, 2015. Collection method: not provided. Allele origin: germline. Inheritance: Autosomal recessive inheritance. Affected: yes.

Dr. Peter K. Rogan Lab, Western University
No classification provided (evidence only). Condition: Lung cancer. Review status: no classification provided. Collection method: in vitro. Allele origin: not applicable. Functional consequence: retained intron. Not counted in ClinVar's aggregate classification.

Dr. Peter K. Rogan Lab, Western University
No classification provided (evidence only). Condition: Lung cancer. Review status: no classification provided. Collection method: in vitro. Allele origin: not applicable. Functional consequence: retained intron. Not counted in ClinVar's aggregate classification.

Dr. Peter K. Rogan Lab, Western University
No classification provided (evidence only). Condition: Melanoma. Review status: no classification provided. Collection method: in vitro. Allele origin: not applicable. Functional consequence: skipped exon, retained intron. Not counted in ClinVar's aggregate classification.

Dr. Peter K. Rogan Lab, Western University
No classification provided (evidence only). Condition: Melanoma. Review status: no classification provided. Collection method: in vitro. Allele origin: not applicable. Functional consequence: retained intron. Not counted in ClinVar's aggregate classification.

Dr. Peter K. Rogan Lab, Western University
No classification provided (evidence only). Condition: Melanoma. Review status: no classification provided. Collection method: in vitro. Allele origin: not applicable. Functional consequence: retained intron. Not counted in ClinVar's aggregate classification.

Dr. Peter K. Rogan Lab, Western University
No classification provided (evidence only). Condition: Familial cancer of breast. Review status: no classification provided. Collection method: in vitro. Allele origin: not applicable. Functional consequence: skipped exon, retained intron. Not counted in ClinVar's aggregate classification.

Dr. Peter K. Rogan Lab, Western University
No classification provided (evidence only). Condition: Familial cancer of breast. Review status: no classification provided. Collection method: in vitro. Allele origin: not applicable. Functional consequence: retained intron. Not counted in ClinVar's aggregate classification.

Dr. Peter K. Rogan Lab, Western University
No classification provided (evidence only). Condition: Familial cancer of breast. Review status: no classification provided. Collection method: in vitro. Allele origin: not applicable. Functional consequence: retained intron. Not counted in ClinVar's aggregate classification.

Dr. Peter K. Rogan Lab, Western University
No classification provided (evidence only). Condition: Familial cancer of breast. Review status: no classification provided. Collection method: in vitro. Allele origin: not applicable. Functional consequence: skipped exon, retained intron. Not counted in ClinVar's aggregate classification.

Dr. Peter K. Rogan Lab, Western University
No classification provided (evidence only). Condition: Acute myeloid leukemia. Review status: no classification provided. Collection method: in vitro. Allele origin: not applicable. Functional consequence: retained intron. Not counted in ClinVar's aggregate classification.

Dr. Peter K. Rogan Lab, Western University
No classification provided (evidence only). Condition: Colon adenocarcinoma. Review status: no classification provided. Collection method: in vitro. Allele origin: not applicable. Functional consequence: retained intron. Not counted in ClinVar's aggregate classification.

Dr. Peter K. Rogan Lab, Western University
No classification provided (evidence only). Condition: Colon adenocarcinoma. Review status: no classification provided. Collection method: in vitro. Allele origin: not applicable. Functional consequence: skipped exon, retained intron. Not counted in ClinVar's aggregate classification.

Dr. Peter K. Rogan Lab, Western University
No classification provided (evidence only). Condition: Thyroid cancer, nonmedullary, 1. Review status: no classification provided. Collection method: in vitro. Allele origin: not applicable. Functional consequence: skipped exon, retained intron. Not counted in ClinVar's aggregate classification.

Dr. Peter K. Rogan Lab, Western University
No classification provided (evidence only). Condition: Thyroid cancer, nonmedullary, 1. Review status: no classification provided. Collection method: in vitro. Allele origin: not applicable. Functional consequence: skipped exon, retained intron. Not counted in ClinVar's aggregate classification.

Dr. Peter K. Rogan Lab, Western University
No classification provided (evidence only). Condition: Thyroid cancer, nonmedullary, 1. Review status: no classification provided. Collection method: in vitro. Allele origin: not applicable. Functional consequence: retained intron. Not counted in ClinVar's aggregate classification.

Dr. Peter K. Rogan Lab, Western University
No classification provided (evidence only). Condition: Thyroid cancer, nonmedullary, 1. Review status: no classification provided. Collection method: in vitro. Allele origin: not applicable. Functional consequence: retained intron. Not counted in ClinVar's aggregate classification.

Dr. Peter K. Rogan Lab, Western University
No classification provided (evidence only). Condition: Thyroid cancer, nonmedullary, 1. Review status: no classification provided. Collection method: in vitro. Allele origin: not applicable. Functional consequence: retained intron. Not counted in ClinVar's aggregate classification.

Dr. Peter K. Rogan Lab, Western University
No classification provided (evidence only). Condition: Thyroid cancer, nonmedullary, 1. Review status: no classification provided. Collection method: in vitro. Allele origin: not applicable. Functional consequence: retained intron. Not counted in ClinVar's aggregate classification.

Dr. Peter K. Rogan Lab, Western University
No classification provided (evidence only). Condition: Uterine corpus endometrial carcinoma. Review status: no classification provided. Collection method: in vitro. Allele origin: not applicable. Functional consequence: retained intron. Not counted in ClinVar's aggregate classification.

Dr. Peter K. Rogan Lab, Western University
No classification provided (evidence only). Condition: Sarcoma. Review status: no classification provided. Collection method: in vitro. Allele origin: not applicable. Functional consequence: skipped exon, retained intron. Not counted in ClinVar's aggregate classification.

Dr. Peter K. Rogan Lab, Western University
No classification provided (evidence only). Condition: Malignant lymphoma, large B-cell, diffuse. Review status: no classification provided. Collection method: in vitro. Allele origin: not applicable. Functional consequence: retained intron. Not counted in ClinVar's aggregate classification.

Dr. Peter K. Rogan Lab, Western University
No classification provided (evidence only). Condition: Hepatocellular carcinoma. Review status: no classification provided. Collection method: in vitro. Allele origin: not applicable. Functional consequence: retained intron. Not counted in ClinVar's aggregate classification.

Dr. Peter K. Rogan Lab, Western University
No classification provided (evidence only). Condition: Hepatocellular carcinoma. Review status: no classification provided. Collection method: in vitro. Allele origin: not applicable. Functional consequence: retained intron. Not counted in ClinVar's aggregate classification.

Dr. Peter K. Rogan Lab, Western University
No classification provided (evidence only). Condition: Hepatocellular carcinoma. Review status: no classification provided. Collection method: in vitro. Allele origin: not applicable. Functional consequence: skipped exon, retained intron. Not counted in ClinVar's aggregate classification.

Dr. Peter K. Rogan Lab, Western University
No classification provided (evidence only). Condition: Hepatocellular carcinoma. Review status: no classification provided. Collection method: in vitro. Allele origin: not applicable. Functional consequence: skipped exon, retained intron. Not counted in ClinVar's aggregate classification.

Dr. Peter K. Rogan Lab, Western University
No classification provided (evidence only). Condition: Hepatocellular carcinoma. Review status: no classification provided. Collection method: in vitro. Allele origin: not applicable. Functional consequence: skipped exon. Not counted in ClinVar's aggregate classification.

Dr. Peter K. Rogan Lab, Western University
No classification provided (evidence only). Condition: Hepatocellular carcinoma. Review status: no classification provided. Collection method: in vitro. Allele origin: not applicable. Functional consequence: retained intron. Not counted in ClinVar's aggregate classification.

Dr. Peter K. Rogan Lab, Western University
No classification provided (evidence only). Condition: Hepatocellular carcinoma. Review status: no classification provided. Collection method: in vitro. Allele origin: not applicable. Functional consequence: retained intron. Not counted in ClinVar's aggregate classification.

NM_001128159.3(VPS53):c.1148A>G (p.Asn383Ser)

Genes: VPS53 (VPS53 subunit of GARP complex; minus strand), LOC126862457 (BRD4-independent group 4 enhancer GRCh37_chr17:504328-505527; plus strand). Cytogenetic location: 17p13.3.
Variant type: single nucleotide variant.
Coding change: c.1148A>G on transcript NM_001128159.3 (MANE Select); coding-DNA position 1148, A replaced by G.
Protein change: p.Asn383Ser; replaces asparagine 383 with serine.
Molecular consequence: missense variant.
Genome position (GRCh38, 1-based): chr17:601,865, T>C on the plus strand (A>G on the coding strand, the complement: VPS53 is on the minus strand). VCF-style: chr17-601865-T-C. GRCh37 (hg19) VCF-style: chr17-505105-T-C.
Other names: c.1148A>G, p.Asn383Ser (NM_001366253.2); c.554A>G, p.Asn185Ser (NM_001366254.2); c.1061A>G, p.Asn354Ser (NM_018289.4); short protein forms N383S, N354S, N185S.
Identifiers: ClinVar variation 516685 (VCV000516685.13), dbSNP rs79657649, ClinGen allele CA8261526.